The following is an entry in ClinVar:

ClinVar aggregate classification (germline): Uncertain significance (1 of 4 stars; one submission).

Allele frequency attached by ClinVar (database versions not stated): ExAC 0.00001.

Submission:

Labcorp Genetics (formerly Invitae), Labcorp
Classification: Uncertain significance. Last evaluated: 2022-06-12. Review status: criteria provided, single submitter. Criteria: Invitae Variant Classification Sherloc (09022015). Collection method: clinical testing. Allele origin: germline.
Comment: This sequence change replaces tyrosine, which is neutral and polar, with cysteine, which is neutral and slightly polar, at codon 296 of the IDH3B protein (p.Tyr296Cys). This variant is present in population databases (rs779915412, gnomAD 0.0009%). This variant has not been reported in the literature in individuals affected with IDH3B-related conditions. Algorithms developed to predict the effect of missense changes on protein structure and function are either unavailable or do not agree on the potential impact of this missense change (SIFT: "Not Available"; PolyPhen-2: "Probably Damaging"; Align-GVGD: "Not Available"). In summary, the available evidence is currently insufficient to determine the role of this variant in disease. Therefore, it has been classified as a Variant of Uncertain Significance.

NM_006899.5(IDH3B):c.887A>G (p.Tyr296Cys)

Gene: IDH3B (isocitrate dehydrogenase (NAD(+)) 3 non-catalytic subunit beta; minus strand). Cytogenetic location: 20p13.
Variant type: single nucleotide variant.
Coding change: c.887A>G on transcript NM_006899.5 (MANE Select); coding-DNA position 887, A replaced by G.
Protein change: p.Tyr296Cys; replaces tyrosine 296 with cysteine.
Molecular consequence: missense variant. On other transcripts: non-coding transcript variant (1).
Genome position (GRCh38, 1-based): chr20:2,660,058, T>C on the plus strand (A>G on the coding strand, the complement: IDH3B is on the minus strand). VCF-style: chr20-2660058-T-C. GRCh37 (hg19) VCF-style: chr20-2640704-T-C.
Other names: c.887A>G, p.Tyr296Cys (NM_001258384.3, NM_001330763.2, NM_174855.4); short protein forms Y296C.
Identifiers: ClinVar variation 1991518 (VCV001991518.4), dbSNP rs779915412, ClinGen allele CA9735160.
Genomic context (GRCh38, chr20:2,660,058, plus strand): 5'-AGAGGAAGGGCCGAGGGAGAAAGCAGCCTCACCGTCTCAAAGACTGCGTATTCTGCACTA[T>C]AGCTCTCACCAGGGACCACACCAGCTCCCCCAACCAGGCCAGCAGCCAGATTGTCAATAA-3'
Protein context (NP_008830.2, residues 286-306): GGAGVVPGES[Tyr296Cys]SAEYAVFETG